The following is an entry in ClinVar:

NM_138420.4(AHNAK2):c.10546C>A (p.Leu3516Ile)

Gene: AHNAK2 (AHNAK nucleoprotein 2; minus strand). Cytogenetic location: 14q32.33.
Variant type: single nucleotide variant.
Coding change: c.10546C>A on transcript NM_138420.4 (MANE Select); coding-DNA position 10546, C replaced by A.
Protein change: p.Leu3516Ile; replaces leucine 3516 with isoleucine.
Molecular consequence: missense variant.
Genome position (GRCh38, 1-based): chr14:104,944,905, G>T on the plus strand (C>A on the coding strand, the complement: AHNAK2 is on the minus strand). VCF-style: chr14-104944905-G-T. GRCh37 (hg19) VCF-style: chr14-105411242-G-T.
Other names: c.10246C>A, p.Leu3416Ile (NM_001350929.2); short protein forms L3516I, L3416I.
Identifiers: ClinVar variation 4639390 (VCV004639390.1).

ClinVar aggregate classification (germline): Uncertain significance (1 of 4 stars; one submission).

gnomAD v4.1: 3 of 1,613,194 alleles (0.00019%); highest among the groups gnomAD compares: African/African-American, 0.0027%; no homozygotes.

Submission:

Ambry Genetics
Classification: Uncertain significance. Last evaluated: 2025-12-02. Review status: criteria provided, single submitter. Criteria: Ambry Variant Classification Scheme 2023. Collection method: clinical testing. Allele origin: germline.
Comment: The c.10546C>A (p.L3516I) alteration is located in exon 7 (coding exon 7) of the AHNAK2 gene. This alteration results from a C to A substitution at nucleotide position 10546, causing the leucine (L) at amino acid position 3516 to be replaced by an isoleucine (I). Based on data from gnomAD, the A allele has an overall frequency of 0.001% (2/248846) total alleles studied. The highest observed frequency was 0.013% (2/15466) of African alleles. Based on insufficient or conflicting evidence, the clinical significance of this alteration remains unclear.